The following is an entry in ClinVar:

ClinVar aggregate classification (germline): Benign. Review status: criteria provided, multiple submitters, no conflicts (2 of 4 stars). 3 submissions from 3 submitters: Benign (2). 1 of the submissions does not count toward it. Last evaluated 2025-11-08.

Conditions:
SLC22A4-related disorder. Also called: SLC22A4-related condition.

Allele frequency attached by ClinVar (database versions not stated): gnomAD 0.00149 and 0.00210; TOPMed 0.00168; ESP Exome Variant Server 0.00215; gnomAD exomes 0.00291 and 0.00413; 1000 Genomes Project 30x 0.00406; ExAC 0.00427; 1000 Genomes Project 0.00459.
gnomAD v4.1: 4,637 of 1,613,532 alleles (0.29%); highest among the groups gnomAD compares: South Asian, 2%; 30 homozygotes.

Submissions (3):

Labcorp Genetics (formerly Invitae), Labcorp
Classification: Benign. Last evaluated: 2025-11-08. Review status: criteria provided, single submitter. Criteria: Invitae Variant Classification Sherloc (09022015). Collection method: clinical testing. Allele origin: germline.

Athena Diagnostics
Classification: Benign. Last evaluated: 2019-12-05. Review status: criteria provided, single submitter. Criteria: Athena Diagnostics Criteria. Collection method: clinical testing. Allele origin: unknown.

PreventionGenetics, part of Exact Sciences
Classification: Benign for SLC22A4-related condition. Last evaluated: 2019-05-17. Review status: no assertion criteria provided. Collection method: clinical testing. Allele origin: germline. Not counted in ClinVar's aggregate classification.
Comment: This variant is classified as benign based on ACMG/AMP sequence variant interpretation guidelines (Richards et al. 2015 PMID: 25741868, with internal and published modifications).

Literature cited by the submitters: PubMed 19881261 (cited by Athena Diagnostics).

NM_003059.3(SLC22A4):c.465C>T (p.Leu155=)

Genes: MIR3936HG (MIR3936 host gene; minus strand), SLC22A4 (solute carrier family 22 member 4; plus strand). Cytogenetic location: 5q31.1.
Variant type: single nucleotide variant.
Coding change: c.465C>T on transcript NM_003059.3 (MANE Select); coding-DNA position 465, C replaced by T.
Protein change: p.Leu155=; no amino-acid change (leucine 155 retained).
Molecular consequence: synonymous variant. On other transcripts: non-coding transcript variant (1).
Genome position (GRCh38, 1-based): chr5:132,312,232, C>T. VCF-style: chr5-132312232-C-T. GRCh37 (hg19) VCF-style: chr5-131647925-C-T.
Identifiers: ClinVar variation 785802 (VCV000785802.13), dbSNP rs11568511, ClinGen allele CA3403402.